The following is an entry in ClinVar:

ClinVar aggregate classification (germline): Uncertain significance. Review status: criteria provided, multiple submitters, no conflicts (2 of 4 stars). 3 submissions from 3 submitters: Uncertain significance (3). Last evaluated 2022-10-25.

Conditions:
Rafiq syndrome (RAFQS). Identifiers: Orphanet 88616, MedGen C3280127, MONDO:0013624, OMIM 614202.
Inborn genetic diseases. Identifiers: MedGen C0950123, MeSH D030342.

Allele frequency attached by ClinVar (database versions not stated): TOPMed below 0.00001; ExAC 0.00001; gnomAD 0.00001; gnomAD exomes 0.00001 and 0.00002.
gnomAD v4.1: 23 of 1,614,058 alleles (0.0014%); highest among the groups gnomAD compares: Non-Finnish European, 0.0019%; no homozygotes.

Submissions (3):

Ambry Genetics
Classification: Uncertain significance for Inborn genetic diseases. Last evaluated: 2022-10-25. Review status: criteria provided, single submitter. Criteria: Ambry Variant Classification Scheme 2023. Collection method: clinical testing. Allele origin: germline.

Labcorp Genetics (formerly Invitae), Labcorp
Classification: Uncertain significance for Rafiq syndrome. Last evaluated: 2021-08-11. Review status: criteria provided, single submitter. Criteria: Invitae Variant Classification Sherloc (09022015). Collection method: clinical testing. Allele origin: germline.
Comment: This variant has not been reported in the literature in individuals with MAN1B1-related conditions. ClinVar contains an entry for this variant (Variation ID: 587867). This variant is present in population databases (rs777884272, ExAC 0.002%). This sequence change replaces glycine with aspartic acid at codon 302 of the MAN1B1 protein (p.Gly302Asp). The glycine residue is moderately conserved and there is a moderate physicochemical difference between glycine and aspartic acid. Algorithms developed to predict the effect of missense changes on protein structure and function are either unavailable or do not agree on the potential impact of this missense change (SIFT: "Tolerated"; PolyPhen-2: "Possibly Damaging"; Align-GVGD: "Class C0"). In summary, the available evidence is currently insufficient to determine the role of this variant in disease. Therefore, it has been classified as a Variant of Uncertain Significance.

Illumina Laboratory Services, Illumina
Classification: Uncertain significance for Rafiq syndrome. Last evaluated: 2018-01-12. Review status: criteria provided, single submitter. Criteria: ICSL Variant Classification Criteria 13 December 2019. Collection method: clinical testing. Allele origin: germline.

NM_016219.5(MAN1B1):c.905G>A (p.Gly302Asp)

Gene: MAN1B1 (mannosidase alpha class 1B member 1; plus strand). Cytogenetic location: 9q34.3.
Variant type: single nucleotide variant.
Coding change: c.905G>A on transcript NM_016219.5 (MANE Select); coding-DNA position 905, G replaced by A.
Protein change: p.Gly302Asp; replaces glycine 302 with aspartic acid.
Molecular consequence: missense variant. On other transcripts: non-coding transcript variant (2).
Genome position (GRCh38, 1-based): chr9:137,099,870, G>A. VCF-style: chr9-137099870-G-A. GRCh37 (hg19) VCF-style: chr9-139994322-G-A.
Other names: short protein forms G302D.
Identifiers: ClinVar variation 587867 (VCV000587867.17), dbSNP rs777884272, ClinGen allele CA5358823.